The following is an entry in ClinVar:

ClinVar aggregate classification (germline): Uncertain significance. Review status: criteria provided, multiple submitters, no conflicts (2 of 4 stars). 2 submissions from 2 submitters: Uncertain significance (2). Last evaluated 2025-05-21.

Conditions:
von Willebrand disease type 2 (VWD2). Also called: VON WILLEBRAND DISEASE, TYPE II; VWD, TYPE 2; VON WILLEBRAND DISEASE, TYPE 2A/IIE; VON WILLEBRAND DISEASE, TYPE 2CB. Identifiers: Orphanet 166081, Orphanet 903, MedGen C1264040, MONDO:0013304, OMIM 613554.
Inborn genetic diseases. Identifiers: MedGen C0950123, MeSH D030342.

gnomAD v4.1: 73 of 1,612,896 alleles (0.0045%); highest among the groups gnomAD compares: Middle Eastern, 0.082%; 1 homozygote.

Submissions (2):

Ambry Genetics
Classification: Uncertain significance for Inborn genetic diseases. Last evaluated: 2025-05-21. Review status: criteria provided, single submitter. Criteria: Ambry Variant Classification Scheme 2023. Collection method: clinical testing. Allele origin: germline.

Neuberg Centre For Genomic Medicine, NCGM
Classification: Uncertain significance for von Willebrand disease type 2. Last evaluated: 2023-05-20. Review status: criteria provided, single submitter. Criteria: ACMG Guidelines, 2015. Collection method: clinical testing. Allele origin: germline. Inheritance: Autosomal dominant inheritance. Affected: yes.
Comment: The missense_splice region c.1433G>A(p.Gly478Asp) variant in VWF gene has not been reported in affected individuals previously as a pathogenic variant nor as a benign variant, to our knowledge. The observed variant has allele frequency of 0.008% in gnomAD exomes database. This variant has not been reported to the ClinVar database. Multiple lines of computational evidence (Polyphen - probably damaging , SIFT - damaging and MutationTaster - disease causing) predict a damaging effect on protein structure and function for this variant. The amino acid change p.Gly478Asp in VWF is predicted as conserved by GERP++ and PhyloP across 100 vertebrates. The amino acid Gly at position 478 is changed to a Asp changing protein sequence and it might alter its composition and physico-chemical properties. For these reasons, this variant has been classified as Variant of Uncertain Significance (VUS).

NM_000552.5(VWF):c.1433G>A (p.Gly478Asp)

Gene: VWF (von Willebrand factor; minus strand). Cytogenetic location: 12p13.31.
Variant type: single nucleotide variant.
Coding change: c.1433G>A on transcript NM_000552.5 (MANE Select); coding-DNA position 1433, G replaced by A.
Protein change: p.Gly478Asp; replaces glycine 478 with aspartic acid.
Molecular consequence: missense variant.
Genome position (GRCh38, 1-based): chr12:6,063,054, C>T on the plus strand (G>A on the coding strand, the complement: VWF is on the minus strand). VCF-style: chr12-6063054-C-T. GRCh37 (hg19) VCF-style: chr12-6172220-C-T.
Other names: c.1433G>A (NM_000552.3); short protein forms G478D.
Identifiers: ClinVar variation 3341396 (VCV003341396.2).
Genomic context (GRCh38, chr12:6,063,054, plus strand): 5'-AGGTCCTCCCCGTAGCTGAGGCGCACGGAGGCCGTCACTGTATGCTGGATGCGGAGGTCA[C>T]CTGGAACCCAGCAGGACAGGACTCAGGCAGAGGTGGGGAGAGGACAGGGTGGTGGCAGGC-3'
Protein context (NP_000543.3, residues 468-488): GQDVQLPLLK[Gly478Asp]DLRIQHTVTA